The following is an entry in ClinVar:

NM_032043.3(BRIP1):c.3069C>G (p.Leu1023=)

Gene: BRIP1 (BRCA1 interacting DNA helicase 1; minus strand). Cytogenetic location: 17q23.2.
Variant type: single nucleotide variant.
Coding change: c.3069C>G on transcript NM_032043.3 (MANE Select); coding-DNA position 3069, C replaced by G.
Protein change: p.Leu1023=; no amino-acid change (leucine 1023 retained).
Molecular consequence: synonymous variant.
Genome position (GRCh38, 1-based): chr17:61,683,977, G>C on the plus strand (C>G on the coding strand, the complement: BRIP1 is on the minus strand). VCF-style: chr17-61683977-G-C. GRCh37 (hg19) VCF-style: chr17-59761338-G-C.
Identifiers: ClinVar variation 530368 (VCV000530368.24), dbSNP rs61754142, ClinGen allele CA501335473.

ClinVar aggregate classification (germline): Benign/Likely benign. Review status: criteria provided, multiple submitters, no conflicts (2 of 4 stars). 8 submissions from 8 submitters: Benign (1); Likely benign (6). 1 of the submissions does not count toward it. Last evaluated 2025-12-09.

Conditions:
Hereditary cancer-predisposing syndrome. Also called: Neoplastic Syndromes, Hereditary; Hereditary neoplastic syndrome; Tumor predisposition; Hereditary Cancer Syndrome. Identifiers: Orphanet 140162, MedGen C0027672, MeSH D009386, MONDO:0015356.
Fanconi anemia complementation group J. Also called: BRIP1-Related Fanconi Anemia. Identifiers: Orphanet 84, MedGen C1836860, MONDO:0012187, OMIM 609054.
Familial cancer of breast. Also called: BREAST CANCER, FAMILIAL; hereditary breast carcinoma; Hereditary breast cancer. Identifiers: Orphanet 227535, MedGen C0346153, MONDO:0016419, OMIM 114480. Disease mechanism: loss of function.
BRIP1-related disorder. Also called: BRIP1-related condition; BRIP1-related disorders. Identifiers: MedGen CN239206.

Allele frequency attached by ClinVar (database versions not stated): TOPMed 0.00001.
gnomAD v4.1: 15 of 1,613,918 alleles (0.00093%); highest among the groups gnomAD compares: African/African-American, 0.0013%; no homozygotes.

Submissions (8):

Labcorp Genetics (formerly Invitae), Labcorp
Classification: Likely benign for Familial cancer of breast; Fanconi anemia complementation group J. Last evaluated: 2025-12-09. Review status: criteria provided, single submitter. Criteria: Invitae Variant Classification Sherloc (09022015). Collection method: clinical testing. Allele origin: germline.

Myriad Genetics, Inc.
Classification: Benign for Familial cancer of breast. Last evaluated: 2024-09-09. Review status: criteria provided, single submitter. Criteria: Myriad Autosomal Dominant, Autosomal Recessive and X-Linked Classification Criteria (2023). Collection method: clinical testing. Allele origin: unknown.
Comment: This variant is considered benign. This variant is a silent/synonymous amino acid change and it is not expected to impact splicing.

Department of Pathology and Laboratory Medicine, Sinai Health System
Classification: Likely benign for Familial cancer of breast. Last evaluated: 2024-06-19. Review status: criteria provided, single submitter. Criteria: ACMG Guidelines, 2015. Collection method: clinical testing. Allele origin: germline. Affected: yes.

Quest Diagnostics Nichols Institute San Juan Capistrano
Classification: Likely benign. Last evaluated: 2023-02-09. Review status: criteria provided, single submitter. Criteria: Quest Diagnostics criteria. Collection method: clinical testing. Allele origin: unknown.

Ambry Genetics
Classification: Likely benign for Hereditary cancer-predisposing syndrome. Last evaluated: 2022-03-16. Review status: criteria provided, single submitter. Criteria: Ambry Variant Classification Scheme 2023. Collection method: clinical testing. Allele origin: germline.

Color Diagnostics, LLC DBA Color Health
Classification: Likely benign for Hereditary cancer-predisposing syndrome. Last evaluated: 2019-01-13. Review status: criteria provided, single submitter. Criteria: ACMG Guidelines, 2015. Collection method: clinical testing. Allele origin: germline.

GeneDx
Classification: Likely benign. Last evaluated: 2018-05-14. Review status: criteria provided, single submitter. Criteria: GeneDx Variant Classification (06012015). Collection method: clinical testing. Allele origin: germline. Affected: yes.
Comment: This variant is considered likely benign or benign based on one or more of the following criteria: it is a conservative change, it occurs at a poorly conserved position in the protein, it is predicted to be benign by multiple in silico algorithms, and/or has population frequency not consistent with disease.

PreventionGenetics, part of Exact Sciences
Classification: Likely benign for BRIP1-related condition. Last evaluated: 2019-11-08. Review status: no assertion criteria provided. Collection method: clinical testing. Allele origin: germline. Not counted in ClinVar's aggregate classification.
Comment: This variant is classified as likely benign based on ACMG/AMP sequence variant interpretation guidelines (Richards et al. 2015 PMID: 25741868, with internal and published modifications).